The following is an entry in ClinVar:

NM_000719.7(CACNA1C):c.5470G>C (p.Ala1824Pro)

Genes: CACNA1C (calcium voltage-gated channel subunit alpha1 C; plus strand), CACNA1C-AS1 (CACNA1C antisense RNA 1; minus strand). Cytogenetic location: 12p13.33.
Variant type: single nucleotide variant.
Coding change: c.5470G>C on transcript NM_000719.7 (MANE Select); coding-DNA position 5470, G replaced by C.
Protein change: p.Ala1824Pro; replaces alanine 1824 with proline.
Molecular consequence: missense variant.
Genome position (GRCh38, 1-based): chr12:2,682,575, G>C. VCF-style: chr12-2682575-G-C. GRCh37 (hg19) VCF-style: chr12-2791741-G-C.
Other names: c.5530G>C, p.Ala1844Pro (NM_001129832.2); c.5527G>C, p.Ala1843Pro (NM_001129833.2, NM_001129834.2, NM_001129835.2); c.5521G>C, p.Ala1841Pro (NM_001129836.2); c.5494G>C, p.Ala1832Pro (NM_001129837.2, NM_001129838.2); c.5488G>C, p.Ala1830Pro (NM_001129839.2); c.5614G>C, p.Ala1872Pro (NM_001129827.2); c.5593G>C, p.Ala1865Pro (NM_001129829.2); c.5575G>C, p.Ala1859Pro (NM_001129830.3, NM_001167624.3); and 6 more; short protein forms A1813P, A1832P, A1841P, A1843P, A1859P, A1884P, A1865P, A1844P.
Identifiers: ClinVar variation 4217780 (VCV004217780.1).

ClinVar aggregate classification (germline): Uncertain significance (1 of 4 stars; one submission).

Conditions:
Cardiovascular phenotype. Identifiers: MedGen CN230736.

Submission:

Ambry Genetics
Classification: Uncertain significance for Cardiovascular phenotype. Last evaluated: 2025-09-03. Review status: criteria provided, single submitter. Criteria: Ambry Variant Classification Scheme 2023. Collection method: clinical testing. Allele origin: germline.
Comment: The p.A1824P variant (also known as c.5470G>C), located in coding exon 43 of the CACNA1C gene, results from a G to C substitution at nucleotide position 5470. The alanine at codon 1824 is replaced by proline, an amino acid with highly similar properties. This amino acid position is well conserved in available vertebrate species. In addition, the in silico prediction for this alteration is inconclusive. Based on the available evidence, the clinical significance of this variant remains unclear.